The following is an entry in ClinVar:

NM_032634.4(PIGO):c.1255G>A (p.Ala419Thr)

Gene: PIGO (phosphatidylinositol glycan anchor biosynthesis class O; minus strand). Cytogenetic location: 9p13.3.
Variant type: single nucleotide variant.
Coding change: c.1255G>A on transcript NM_032634.4 (MANE Select); coding-DNA position 1255, G replaced by A.
Protein change: p.Ala419Thr; replaces alanine 419 with threonine.
Molecular consequence: missense variant.
Genome position (GRCh38, 1-based): chr9:35,092,632, C>T on the plus strand (G>A on the coding strand, the complement: PIGO is on the minus strand). VCF-style: chr9-35092632-C-T. GRCh37 (hg19) VCF-style: chr9-35092629-C-T.
Other names: c.1255G>A, p.Ala419Thr (NM_001201484.2, NM_152850.4); short protein forms A419T.
Identifiers: ClinVar variation 857041 (VCV000857041.8), dbSNP rs879658217, ClinGen allele CA192711977.

ClinVar aggregate classification (germline): Uncertain significance. Review status: criteria provided, multiple submitters, no conflicts (2 of 4 stars). 2 submissions from 2 submitters: Uncertain significance (2). Last evaluated 2025-10-18.

Conditions:
Inborn genetic diseases. Identifiers: MedGen C0950123, MeSH D030342.
Hyperphosphatasia with impaired intellectual development syndrome 2. Also called: Hyperphosphatasia with intellectual disability syndrome 2; GLYCOSYLPHOSPHATIDYLINOSITOL BIOSYNTHESIS DEFECT 6. Identifiers: Orphanet 247262, MedGen C3553637, MONDO:0013882, OMIM 614749.

Allele frequency attached by ClinVar (database versions not stated): gnomAD exomes 0.00001; gnomAD 0.00001.

Submissions (2):

Ambry Genetics
Classification: Uncertain significance for Inborn genetic diseases. Last evaluated: 2025-10-18. Review status: criteria provided, single submitter. Criteria: Ambry Variant Classification Scheme 2023. Collection method: clinical testing. Allele origin: germline.

Labcorp Genetics (formerly Invitae), Labcorp
Classification: Uncertain significance for Hyperphosphatasia with impaired intellectual development syndrome 2. Last evaluated: 2021-09-01. Review status: criteria provided, single submitter. Criteria: Invitae Variant Classification Sherloc (09022015). Collection method: clinical testing. Allele origin: germline.
Comment: This sequence change replaces alanine with threonine at codon 419 of the PIGO protein (p.Ala419Thr). The alanine residue is moderately conserved and there is a small physicochemical difference between alanine and threonine. This variant is not present in population databases (ExAC no frequency). This variant has not been reported in the literature in individuals affected with PIGO-related conditions. Algorithms developed to predict the effect of missense changes on protein structure and function output the following: SIFT: "Tolerated"; PolyPhen-2: "Benign"; Align-GVGD: "Class C0". The threonine amino acid residue is found in multiple mammalian species, which suggests that this missense change does not adversely affect protein function. In summary, the available evidence is currently insufficient to determine the role of this variant in disease. Therefore, it has been classified as a Variant of Uncertain Significance.